The following is an entry in ClinVar:

ClinVar aggregate classification (germline): Uncertain significance. Review status: criteria provided, multiple submitters, no conflicts (2 of 4 stars). 2 submissions from 2 submitters: Uncertain significance (2). Last evaluated 2024-07-30.

Conditions:
Inborn genetic diseases. Identifiers: MedGen C0950123, MeSH D030342.

gnomAD v4.1: 94 of 1,602,992 alleles (0.0059%); highest among the groups gnomAD compares: African/African-American, 0.013%; no homozygotes.

Submissions (2):

Ambry Genetics
Classification: Uncertain significance for Inborn genetic diseases. Last evaluated: 2024-07-30. Review status: criteria provided, single submitter. Criteria: Ambry Variant Classification Scheme 2023. Collection method: clinical testing. Allele origin: germline.

Labcorp Genetics (formerly Invitae), Labcorp
Classification: Uncertain significance. Last evaluated: 2024-06-19. Review status: criteria provided, single submitter. Criteria: Invitae Variant Classification Sherloc (09022015). Collection method: clinical testing. Allele origin: germline.
Comment: This sequence change replaces arginine, which is basic and polar, with tryptophan, which is neutral and slightly polar, at codon 3269 of the FRAS1 protein (p.Arg3269Trp). This variant is present in population databases (rs778500294, gnomAD 0.02%). This variant has not been reported in the literature in individuals affected with FRAS1-related conditions. Advanced modeling of protein sequence and biophysical properties (such as structural, functional, and spatial information, amino acid conservation, physicochemical variation, residue mobility, and thermodynamic stability) performed at Invitae indicates that this missense variant is expected to disrupt FRAS1 protein function with a positive predictive value of 80%. In summary, the available evidence is currently insufficient to determine the role of this variant in disease. Therefore, it has been classified as a Variant of Uncertain Significance.

NM_025074.7(FRAS1):c.9805C>T (p.Arg3269Trp)

Gene: FRAS1 (Fraser extracellular matrix complex subunit 1; plus strand). Cytogenetic location: 4q21.21.
Variant type: single nucleotide variant.
Coding change: c.9805C>T on transcript NM_025074.7 (MANE Select); coding-DNA position 9805, C replaced by T.
Protein change: p.Arg3269Trp; replaces arginine 3269 with tryptophan.
Molecular consequence: missense variant.
Genome position (GRCh38, 1-based): chr4:78,511,298, C>T. VCF-style: chr4-78511298-C-T. GRCh37 (hg19) VCF-style: chr4-79432452-C-T.
Other names: short protein forms R3269W.
Identifiers: ClinVar variation 3517012 (VCV003517012.3).
Genomic context (GRCh38, chr4:78,511,298, plus strand): 5'-GTACTCACATTGGAGGTGATTTTTTCTTCCTGTTAGGTCCTGGACAGCATTTACTTCAGC[C>T]GGAGGTTCCATGTGCGTTGTGTGGCCAAGGCTGTGGACAAGGTGGGCCATGTGGGGACCC-3'
Protein context (NP_079350.5, residues 3259-3279): HMVLDSIYFS[Arg3269Trp]RFHVRCVAKA